The following is an entry in ClinVar:

ClinVar aggregate classification (germline): Likely pathogenic (1 of 4 stars; one submission).

Conditions:
Jeune thoracic dystrophy. Also called: Jeune syndrome; Infantile thoracic dystrophy; Thoracic pelvic phalangeal dystrophy; Jeune's syndrome; Chondroectodermal dysplasia-like syndrome; Short-rib thoracic dysplasia. Identifiers: Orphanet 474, MedGen C0265275, MONDO:0018770.

Allele frequency attached by ClinVar (database versions not stated): gnomAD exomes below 0.00001.
gnomAD v4.1: 4 of 1,605,590 alleles (0.00025%); highest among the groups gnomAD compares: South Asian, 0.0022%; no homozygotes.

Submission:

Labcorp Genetics (formerly Invitae), Labcorp
Classification: Likely pathogenic for Jeune thoracic dystrophy. Last evaluated: 2023-06-05. Review status: criteria provided, single submitter. Criteria: Invitae Variant Classification Sherloc (09022015). Collection method: clinical testing. Allele origin: germline.
Comment: This sequence change affects a donor splice site in intron 6 of the DYNC2H1 gene. It is expected to disrupt RNA splicing. Variants that disrupt the donor or acceptor splice site typically lead to a loss of protein function (PMID: 16199547), and loss-of-function variants in DYNC2H1 are known to be pathogenic (PMID: 23339108, 32753734). The frequency data for this variant in the population databases is considered unreliable, as metrics indicate poor data quality at this position in the gnomAD database. This variant has not been reported in the literature in individuals affected with DYNC2H1-related conditions. Algorithms developed to predict the effect of sequence changes on RNA splicing suggest that this variant may disrupt the consensus splice site. In summary, the currently available evidence indicates that the variant is pathogenic, but additional data are needed to prove that conclusively. Therefore, this variant has been classified as Likely Pathogenic.

Literature cited by the submitters: PubMed 16199547; PubMed 23339108; PubMed 32753734.

NM_001377.3(DYNC2H1):c.999+1G>A

Gene: DYNC2H1 (dynein cytoplasmic 2 heavy chain 1; plus strand). Cytogenetic location: 11q22.3.
Variant type: single nucleotide variant.
Coding change: c.999+1G>A on transcript NM_001377.3 (MANE Select); the canonical splice donor site of the intron after coding-DNA position 999, G replaced by A.
Molecular consequence: splice donor variant.
Genome position (GRCh38, 1-based): chr11:103,117,864, G>A. VCF-style: chr11-103117864-G-A. GRCh37 (hg19) VCF-style: chr11-102988593-G-A.
Other names: c.999+1G>A (NM_001080463.2).
Identifiers: ClinVar variation 2750715 (VCV002750715.3), dbSNP rs1222714681, ClinGen allele CA382248636.